The following is an entry in ClinVar:

NM_020166.5(MCCC1):c.231G>T (p.Ala77=)

Gene: MCCC1 (methylcrotonyl-CoA carboxylase subunit 1; minus strand). Cytogenetic location: 3q27.1.
Variant type: single nucleotide variant.
Coding change: c.231G>T on transcript NM_020166.5 (MANE Select); coding-DNA position 231, G replaced by T.
Protein change: p.Ala77=; no amino-acid change (alanine 77 retained).
Molecular consequence: synonymous variant. On other transcripts: non-coding transcript variant (1), intron variant (2).
Genome position (GRCh38, 1-based): chr3:183,092,451, C>A on the plus strand (G>T on the coding strand, the complement: MCCC1 is on the minus strand). VCF-style: chr3-183092451-C-A. GRCh37 (hg19) VCF-style: chr3-182810239-C-A.
Other names: c.-55+2108G>T (NM_001363880.1); c.44+2108G>T (NM_001293273.2).
Identifiers: ClinVar variation 511591 (VCV000511591.18), dbSNP rs144230304, ClinGen allele CA2719163.

ClinVar aggregate classification (germline): Likely benign. Review status: criteria provided, multiple submitters, no conflicts (2 of 4 stars). 4 submissions from 4 submitters: Likely benign (4). Last evaluated 2025-12-22.

Conditions:
3-methylcrotonyl-CoA carboxylase 1 deficiency (MCC1D). Also called: MCC 1 deficiency; 3 Alpha methylcrotonylglycinuria 1; MCCD TYPE 1; METHYLCROTONYLGLYCINURIA TYPE I. Identifiers: Orphanet 6, MedGen CN028786, MONDO:0008861, OMIM 210200.

Allele frequency attached by ClinVar (database versions not stated): TOPMed 0.00018.
gnomAD v4.1: 156 of 1,614,050 alleles (0.0097%); highest among the groups gnomAD compares: Non-Finnish European, 0.013%; 1 homozygote.

Submissions (4):

Labcorp Genetics (formerly Invitae), Labcorp
Classification: Likely benign for 3-methylcrotonyl-CoA carboxylase 1 deficiency. Last evaluated: 2025-12-22. Review status: criteria provided, single submitter. Criteria: Invitae Variant Classification Sherloc (09022015). Collection method: clinical testing. Allele origin: germline.

CeGaT Center for Human Genetics Tuebingen
Classification: Likely benign. Last evaluated: 2025-10-01. Review status: criteria provided, single submitter. Criteria: CeGaT Center For Human Genetics Tuebingen Variant Classification Criteria Version 2. Collection method: clinical testing. Allele origin: germline. Affected: yes. Observed: 1 variant allele.
Comment: MCCC1: BP4, BP7

Laboratory of Genetics, Children's Clinical University Hospital Latvia
Classification: Likely benign. Last evaluated: 2025-02-16. Review status: criteria provided, single submitter. Criteria: ACMG Guidelines, 2015. Collection method: clinical testing. Allele origin: germline. Affected: yes.

GeneDx
Classification: Likely benign. Last evaluated: 2017-09-01. Review status: criteria provided, single submitter. Criteria: GeneDx Variant Classification (06012015). Collection method: clinical testing. Allele origin: germline. Affected: yes.
Comment: This variant is considered likely benign or benign based on one or more of the following criteria: it is a conservative change, it occurs at a poorly conserved position in the protein, it is predicted to be benign by multiple in silico algorithms, and/or has population frequency not consistent with disease.